The following is an entry in ClinVar:

NM_003179.3(SYP):c.53A>G (p.Gln18Arg)

Genes: SYP (synaptophysin; minus strand), SYP-AS1 (SYP antisense RNA 1; plus strand). Cytogenetic location: Xp11.23.
Variant type: single nucleotide variant.
Coding change: c.53A>G on transcript NM_003179.3 (MANE Select); coding-DNA position 53, A replaced by G.
Protein change: p.Gln18Arg; replaces glutamine 18 with arginine.
Molecular consequence: missense variant. On other transcripts: non-coding transcript variant (1).
Genome position (GRCh38, 1-based): chrX:49,199,017, T>C on the plus strand (A>G on the coding strand, the complement: SYP is on the minus strand). VCF-style: chrX-49199017-T-C. GRCh37 (hg19) VCF-style: chrX-49055476-T-C.
Other names: short protein forms Q18R.
Identifiers: ClinVar variation 2662521 (VCV002662521.1), dbSNP rs2520617643, ClinGen allele CA412954871.
Genomic context (GRCh38, chrX:49,199,017, plus strand): 5'-ACCACACTCACCCATTGCAGCACCTTCACAAAGCCGAGGGGCTCCTTGACCACCCGGAAC[T>C]GACCCCCAGCCACCAGCTGAGGAGAGAAACAGTGGGGAAGGGGTGGGGTTGTTGGAGGTA-3'
Protein context (NP_003170.1, residues 8-28): DVVNQLVAGG[Gln18Arg]FRVVKEPLGF

ClinVar aggregate classification (germline): Uncertain significance (1 of 4 stars; one submission).

Submission:

GeneDx
Classification: Uncertain significance. Last evaluated: 2023-04-07. Review status: criteria provided, single submitter. Criteria: GeneDx Variant Classification Process June 2021. Collection method: clinical testing. Allele origin: germline. Affected: yes.
Comment: Not observed at significant frequency in large population cohorts (gnomAD); In silico analysis supports that this missense variant does not alter protein structure/function; Has not been previously published as pathogenic or benign to our knowledge